The following is an entry in ClinVar:

ClinVar aggregate classification (germline): Uncertain significance (1 of 4 stars; one submission).

gnomAD v4.1: 8 of 1,614,114 alleles (0.0005%); highest among the groups gnomAD compares: Non-Finnish European, 0.00059%; no homozygotes.

Submission:

Ambry Genetics
Classification: Uncertain significance. Last evaluated: 2025-12-07. Review status: criteria provided, single submitter. Criteria: Ambry Variant Classification Scheme 2023. Collection method: clinical testing. Allele origin: germline.
Comment: The p.T848I variant (also known as c.2543C>T), located in coding exon 1 of the TET2 gene, results from a C to T substitution at nucleotide position 2543. The threonine at codon 848 is replaced by isoleucine, an amino acid with similar properties. This amino acid position is conserved. In addition, this alteration is predicted to be tolerated by in silico analysis. Based on the available evidence, the clinical significance of this variant remains unclear.

NM_001127208.3(TET2):c.2543C>T (p.Thr848Ile)

Genes: TET2 (tet methylcytosine dioxygenase 2; plus strand), TET2-AS1 (TET2 antisense RNA 1; minus strand). Cytogenetic location: 4q24.
Variant type: single nucleotide variant.
Coding change: c.2543C>T on transcript NM_001127208.3 (MANE Select); coding-DNA position 2543, C replaced by T.
Protein change: p.Thr848Ile; replaces threonine 848 with isoleucine.
Molecular consequence: missense variant.
Genome position (GRCh38, 1-based): chr4:105,236,485, C>T. VCF-style: chr4-105236485-C-T. GRCh37 (hg19) VCF-style: chr4-106157642-C-T.
Other names: c.2543C>T, p.Thr848Ile (NM_017628.4); short protein forms T848I.
Identifiers: ClinVar variation 4594240 (VCV004594240.1).